The following is an entry in ClinVar:

ClinVar aggregate classification (germline): Benign (1 of 4 stars; one submission).

Conditions:
Vitreoretinopathy. Also called: Vitreoretinal degeneration. Identifiers: MedGen C0344290, MONDO:0020248, HP:0007773.

Allele frequency attached by ClinVar (database versions not stated): gnomAD below 0.00001 and 0.00006; TOPMed 0.00002; 1000 Genomes Project 30x 0.00031; 1000 Genomes Project 0.00040.
gnomAD v4.1: 9 of 152,284 alleles (0.0059%); highest among the groups gnomAD compares: South Asian, 0.19%; no homozygotes.

Submission:

Illumina Laboratory Services, Illumina
Classification: Benign for Vitreoretinopathy. Last evaluated: 2018-01-13. Review status: criteria provided, single submitter. Criteria: ICSL Variant Classification Criteria 13 December 2019. Collection method: clinical testing. Allele origin: germline.
Comment: This variant was observed in the ICSL laboratory as part of a predisposition screen in an ostensibly healthy population. It had not been previously curated by ICSL or reported in the Human Gene Mutation Database (HGMD: prior to June 1st, 2018), and was therefore a candidate for classification through an automated scoring system. Utilizing variant allele frequency, disease prevalence and penetrance estimates, and inheritance mode, an automated score was calculated to assess if this variant is too frequent to cause the disease. Based on the score and internal cut-off values, a variant classified as benign is not then subjected to further curation. The score for this variant resulted in a classification of benign for this disease.

NM_004385.5(VCAN):c.*1266G>C

Gene: VCAN (versican; plus strand). Cytogenetic location: 5q14.3.
Variant type: single nucleotide variant.
Coding change: c.*1266G>C on transcript NM_004385.5 (MANE Select); 1266 bases downstream of the stop codon, G replaced by C.
Molecular consequence: 3 prime UTR variant.
Genome position (GRCh38, 1-based): chr5:83,581,700, G>C. VCF-style: chr5-83581700-G-C. GRCh37 (hg19) VCF-style: chr5-82877519-G-C.
Other names: c.*1266G>C (NM_001126336.3, NM_001164097.2, NM_001164098.2).
Identifiers: ClinVar variation 354490 (VCV000354490.6), dbSNP rs544686778, ClinGen allele CA10625170.